The following is an entry in ClinVar:

NM_182914.3(SYNE2):c.19747A>G (p.Ile6583Val)

Gene: SYNE2 (spectrin repeat containing nuclear envelope protein 2; plus strand). Cytogenetic location: 14q23.2.
Variant type: single nucleotide variant.
Coding change: c.19747A>G on transcript NM_182914.3 (MANE Select); coding-DNA position 19747, A replaced by G.
Protein change: p.Ile6583Val; replaces isoleucine 6583 with valine.
Molecular consequence: missense variant.
Genome position (GRCh38, 1-based): chr14:64,219,297, A>G. VCF-style: chr14-64219297-A-G. GRCh37 (hg19) VCF-style: chr14-64686015-A-G.
Other names: c.19678A>G, p.Ile6560Val (NM_015180.6); c.271A>G, p.Ile91Val (NM_182910.2); c.649A>G, p.Ile217Val (NM_182913.4); short protein forms I6583V, I217V, I6560V, I91V.
Identifiers: ClinVar variation 470961 (VCV000470961.12), dbSNP rs771974044, ClinGen allele CA7224572.
Genomic context (GRCh38, chr14:64,219,297, plus strand): 5'-GCACAGGAGCTTCACAATAAGCTCAAAATAAAACAAAATTTGCAACAGCTGAACTCTGAT[A>G]TCAGCGCCATCACTACTTGGCTGAAAAAAACTGAAGCAGAGCTGGAAATGTTAAAGATGG-3'
Protein context (NP_878918.2, residues 6573-6593): KQNLQQLNSD[Ile6583Val]SAITTWLKKT

ClinVar aggregate classification (germline): Conflicting classifications of pathogenicity. Review status: criteria provided, conflicting classifications (1 of 4 stars). 3 submissions from 3 submitters: Uncertain significance (2); Likely benign (1). Last evaluated 2025-05-19.

Conditions:
Emery-Dreifuss muscular dystrophy 5, autosomal dominant (EDMD5). Also called: EMERY-DREIFUSS MUSCULAR DYSTROPHY 5. Identifiers: Orphanet 261, MedGen C2751805, MONDO:0013072, OMIM 612999.

Allele frequency attached by ClinVar (database versions not stated): gnomAD 0.00001; ExAC 0.00002; TOPMed 0.00002.
gnomAD v4.1: 28 of 1,613,996 alleles (0.0017%); highest among the groups gnomAD compares: Middle Eastern, 0.099%; no homozygotes.

Submissions (3):

Ambry Genetics
Classification: Uncertain significance. Last evaluated: 2025-05-19. Review status: criteria provided, single submitter. Criteria: Ambry Variant Classification Scheme 2023. Collection method: clinical testing. Allele origin: germline.

Labcorp Genetics (formerly Invitae), Labcorp
Classification: Uncertain significance for Emery-Dreifuss muscular dystrophy 5, autosomal dominant. Last evaluated: 2022-11-23. Review status: criteria provided, single submitter. Criteria: Invitae Variant Classification Sherloc (09022015). Collection method: clinical testing. Allele origin: germline.
Comment: In summary, the available evidence is currently insufficient to determine the role of this variant in disease. Therefore, it has been classified as a Variant of Uncertain Significance. Algorithms developed to predict the effect of missense changes on protein structure and function output the following: SIFT: "Tolerated"; PolyPhen-2: "Benign"; Align-GVGD: "Class C0". The valine amino acid residue is found in multiple mammalian species, which suggests that this missense change does not adversely affect protein function. ClinVar contains an entry for this variant (Variation ID: 470961). This variant has not been reported in the literature in individuals affected with SYNE2-related conditions. This variant is present in population databases (rs771974044, gnomAD 0.004%). This sequence change replaces isoleucine, which is neutral and non-polar, with valine, which is neutral and non-polar, at codon 6583 of the SYNE2 protein (p.Ile6583Val).

Department of Pathology and Laboratory Medicine, Sinai Health System
Classification: Likely benign for Emery-Dreifuss muscular dystrophy 5, autosomal dominant. Last evaluated: 2020-06-14. Review status: criteria provided, single submitter. Criteria: ACMG Guidelines, 2015. Collection method: research. Allele origin: germline.